The following is an entry in ClinVar:

NM_001042492.3(NF1):c.6044T>G (p.Ile2015Ser)

Gene: NF1 (neurofibromin 1; plus strand). Cytogenetic location: 17q11.2.
Variant type: single nucleotide variant.
Coding change: c.6044T>G on transcript NM_001042492.3 (MANE Select); coding-DNA position 6044, T replaced by G.
Protein change: p.Ile2015Ser; replaces isoleucine 2015 with serine.
Molecular consequence: missense variant.
Genome position (GRCh38, 1-based): chr17:31,336,370, T>G. VCF-style: chr17-31336370-T-G. GRCh37 (hg19) VCF-style: chr17-29663388-T-G.
Other names: c.5981T>G, p.Ile1994Ser (NM_000267.4); short protein forms I1994S, I2015S.
Identifiers: ClinVar variation 3370892 (VCV003370892.1).

ClinVar aggregate classification (germline): Uncertain significance (1 of 4 stars; one submission).

Submission:

GeneDx
Classification: Uncertain significance. Last evaluated: 2024-03-12. Review status: criteria provided, single submitter. Criteria: GeneDx Variant Classification Process June 2021. Collection method: clinical testing. Allele origin: germline. Affected: yes.
Comment: Not observed at significant frequency in large population cohorts (gnomAD); In silico analysis supports that this missense variant has a deleterious effect on protein structure/function; Has not been previously published as pathogenic or benign to our knowledge